The following is an entry in ClinVar:

ClinVar aggregate classification (germline): Uncertain significance. Review status: criteria provided, multiple submitters, no conflicts (2 of 4 stars). 6 submissions from 6 submitters: Uncertain significance (6). Last evaluated 2025-10-23.

Conditions:
Megacystis-microcolon-intestinal hypoperistalsis syndrome 1. Identifiers: MedGen C5542316, MONDO:0100354, OMIM 249210.
Aortic aneurysm, familial thoracic 7 (AAT7). Also called: AORTIC DISSECTION, FAMILIAL, WITH OR WITHOUT AORTIC ANEURYSM. Identifiers: MedGen C3151077, MONDO:0013418, OMIM 613780.
Familial thoracic aortic aneurysm and aortic dissection (TAAD). Also called: Thoracic aortic aneurysms and dissections. Identifiers: Orphanet 91387, MedGen C4707243, MONDO:0019625.

Allele frequency attached by ClinVar (database versions not stated): ExAC 0.00002; gnomAD 0.00002; gnomAD exomes 0.00003; TOPMed 0.00004.
gnomAD v4.1: 37 of 1,613,950 alleles (0.0023%); highest among the groups gnomAD compares: Admixed American, 0.01%; no homozygotes.

Submissions (6):

Labcorp Genetics (formerly Invitae), Labcorp
Classification: Uncertain significance for Aortic aneurysm, familial thoracic 7. Last evaluated: 2025-10-23. Review status: criteria provided, single submitter. Criteria: Invitae Variant Classification Sherloc (09022015). Collection method: clinical testing. Allele origin: germline.
Comment: This sequence change replaces arginine, which is basic and polar, with histidine, which is basic and polar, at codon 1385 of the MYLK protein (p.Arg1385His). This variant is present in population databases (rs762795374, gnomAD 0.01%). This variant has not been reported in the literature in individuals affected with MYLK-related conditions. ClinVar contains an entry for this variant (Variation ID: 618234). Invitae Evidence Modeling of protein sequence and biophysical properties (such as structural, functional, and spatial information, amino acid conservation, physicochemical variation, residue mobility, and thermodynamic stability) indicates that this missense variant is not expected to disrupt MYLK protein function with a negative predictive value of 80%. In summary, the available evidence is currently insufficient to determine the role of this variant in disease. Therefore, it has been classified as a Variant of Uncertain Significance.

Ambry Genetics
Classification: Uncertain significance for Familial thoracic aortic aneurysm and aortic dissection. Last evaluated: 2024-10-04. Review status: criteria provided, single submitter. Criteria: Ambry Variant Classification Scheme 2023. Collection method: clinical testing. Allele origin: germline.

GeneDx
Classification: Uncertain significance. Last evaluated: 2024-04-09. Review status: criteria provided, single submitter. Criteria: GeneDx Variant Classification Process June 2021. Collection method: clinical testing. Allele origin: germline. Affected: yes.
Comment: In silico analysis indicates that this missense variant does not alter protein structure/function; Has not been previously published as pathogenic or benign to our knowledge

Fulgent Genetics
Classification: Uncertain significance for Megacystis-microcolon-intestinal hypoperistalsis syndrome 1; Aortic aneurysm, familial thoracic 7. Last evaluated: 2021-08-09. Review status: criteria provided, single submitter. Criteria: ACMG Guidelines, 2015. Collection method: clinical testing. Allele origin: unknown.

ARUP Laboratories, Molecular Genetics and Genomics, ARUP Laboratories
Classification: Uncertain significance. Last evaluated: 2018-01-17. Review status: criteria provided, single submitter. Criteria: ARUP Molecular Germline Variant Investigation Process. Collection method: clinical testing. Allele origin: germline.
Comment: The MYLK p.Arg1385His variant (rs762795374) has not been reported in the medical literature, nor listed in gene-specific variant databases. It has been observed 7 times in the Genome Aggregation Database general population database (7/246252 alleles). The arginine at this position is moderately conserved, and computational algorithms (Mutation Taster, PolyPhen-2, SIFT) predict that the variant has an impact on the protein's structure or function. Due to the limited information regarding the p.Arg1385His variant, its clinical significance could not be determined with certainty.

Breakthrough Genomics
Classification: Uncertain significance. Review status: criteria provided, single submitter. Criteria: ACMG Guidelines, 2015. Collection method: not provided. Allele origin: germline. Inheritance: Autosomal recessive inheritance. Affected: yes.

NM_053025.4(MYLK):c.4154G>A (p.Arg1385His)

Gene: MYLK (myosin light chain kinase; minus strand). Cytogenetic location: 3q21.1.
Variant type: single nucleotide variant.
Coding change: c.4154G>A on transcript NM_053025.4 (MANE Select); coding-DNA position 4154, G replaced by A.
Protein change: p.Arg1385His; replaces arginine 1385 with histidine.
Molecular consequence: missense variant.
Genome position (GRCh38, 1-based): chr3:123,657,260, C>T on the plus strand (G>A on the coding strand, the complement: MYLK is on the minus strand). VCF-style: chr3-123657260-C-T. GRCh37 (hg19) VCF-style: chr3-123376107-C-T.
Other names: c.3626G>A, p.Arg1209His (NM_001321309.2); c.3947G>A, p.Arg1316His (NM_053026.4, NM_053028.4); c.4154G>A, p.Arg1385His (NM_053027.4); c.4154G>A (NM_053025.3); short protein forms R1316H, R1385H, R1209H.
Identifiers: ClinVar variation 618234 (VCV000618234.17), dbSNP rs762795374, ClinGen allele CA071005.